The following is an entry in ClinVar:

ClinVar aggregate classification (germline): Uncertain significance (1 of 4 stars; one submission).

gnomAD v4.1: 104 of 1,611,720 alleles (0.0065%); highest among the groups gnomAD compares: African/African-American, 0.13%; no homozygotes.

Submission:

Labcorp Genetics (formerly Invitae), Labcorp
Classification: Uncertain significance. Last evaluated: 2024-03-30. Review status: criteria provided, single submitter. Criteria: Invitae Variant Classification Sherloc (09022015). Collection method: clinical testing. Allele origin: germline.
Comment: This sequence change replaces alanine, which is neutral and non-polar, with threonine, which is neutral and polar, at codon 147 of the RCOR1 protein (p.Ala147Thr). This variant is present in population databases (rs146200620, gnomAD 0.1%), and has an allele count higher than expected for a pathogenic variant. This variant has not been reported in the literature in individuals affected with RCOR1-related conditions. An algorithm developed to predict the effect of missense changes on protein structure and function (PolyPhen-2) suggests that this variant is likely to be tolerated. In summary, the available evidence is currently insufficient to determine the role of this variant in disease. Therefore, it has been classified as a Variant of Uncertain Significance.

NM_015156.4(RCOR1):c.439G>A (p.Ala147Thr)

Gene: RCOR1 (REST corepressor 1; plus strand). Cytogenetic location: 14q32.31.
Variant type: single nucleotide variant.
Coding change: c.439G>A on transcript NM_015156.4 (MANE Select); coding-DNA position 439, G replaced by A.
Protein change: p.Ala147Thr; replaces alanine 147 with threonine.
Molecular consequence: missense variant.
Genome position (GRCh38, 1-based): chr14:102,681,972, G>A. VCF-style: chr14-102681972-G-A. GRCh37 (hg19) VCF-style: chr14-103148309-G-A.
Other names: short protein forms A147T.
Identifiers: ClinVar variation 3670863 (VCV003670863.2).